The following is an entry in ClinVar:

ClinVar aggregate classification (germline): Uncertain significance (1 of 4 stars; one submission).

Conditions:
Epidermolysis bullosa simplex 3, localized or generalized intermediate, with BP230 deficiency (EBS3). Also called: Epidermolysis bullosa simplex, autosomal recessive 2; Epidermolysis bullosa simplex due to BP230 deficiency. Identifiers: Orphanet 412181, MedGen C3809470, MONDO:0014180, OMIM 615425.
Hereditary sensory and autonomic neuropathy type 6. Also called: HSAN VI; Neuropathy, hereditary sensory and autonomic, type VI. Identifiers: Orphanet 314381, MedGen C3539003, MONDO:0013839, OMIM 614653.

gnomAD v4.1: 1 of 1,610,782 alleles (0.000062%); highest among the groups gnomAD compares: Non-Finnish European, 0.000085%; no homozygotes.

Submission:

Labcorp Genetics (formerly Invitae), Labcorp
Classification: Uncertain significance for Epidermolysis bullosa simplex 3, localized or generalized intermediate, with BP230 deficiency; Hereditary sensory and autonomic neuropathy type 6. Last evaluated: 2025-12-31. Review status: criteria provided, single submitter. Criteria: Invitae Variant Classification Sherloc (09022015). Collection method: clinical testing. Allele origin: germline.
Comment: The DST gene has multiple clinically relevant transcripts. This variant occurs in alternate transcript NM_015548.4, and corresponds to NM_001723.5:c.*145407A>G in the primary transcript. This sequence change falls in intron 77 of the DST gene. It does not directly change the encoded amino acid sequence of the DST protein. This variant is not present in population databases (gnomAD no frequency). This variant has not been reported in the literature in individuals affected with DST-related conditions. Experimental studies and prediction algorithms are not available or were not evaluated, and the effect of this variant on mRNA splicing is currently unknown. In summary, the available evidence is currently insufficient to determine the role of this variant in disease. Therefore, it has been classified as a Variant of Uncertain Significance.

NM_001374736.1(DST):c.22476+18A>G

Gene: DST (dystonin; minus strand). Cytogenetic location: 6p12.1.
Variant type: single nucleotide variant.
Coding change: c.22476+18A>G on transcript NM_001374736.1 (MANE Select); 18 bases into the intron after coding-DNA position 22476, A replaced by G.
Molecular consequence: intron variant.
Genome position (GRCh38, 1-based): chr6:56,470,110, T>C on the plus strand (A>G on the coding strand, the complement: DST is on the minus strand). VCF-style: chr6-56470110-T-C. GRCh37 (hg19) VCF-style: chr6-56334908-T-C.
Other names: c.16119+18A>G (NM_001144769.5); c.22476+18A>G (NM_001374722.1); c.22503+18A>G (NM_001374734.1); c.15705+18A>G (NM_001144770.2); c.15258+18A>G (NM_001374730.1); c.15585+18A>G (NM_001386100.1, NM_183380.4); c.21516+18A>G (NM_001374729.1); c.14607+18A>G (NM_015548.5).
Identifiers: ClinVar variation 4788186 (VCV004788186.1).